The following is an entry in ClinVar:

NM_000059.4(BRCA2):c.4894del (p.Ser1632fs)

Gene: BRCA2 (BRCA2 DNA repair associated; plus strand). Cytogenetic location: 13q13.1.
Variant type: Deletion.
Coding change: c.4894del on transcript NM_000059.4 (MANE Select); coding-DNA position 4894, one base deleted (A; older notation c.4894delA).
Protein change: p.Ser1632fs; shifts the reading frame from serine 1632.
Molecular consequence: frameshift variant.
Genome position (GRCh38, 1-based): chr13:32,339,249, A deleted; the last of 5 consecutive A bases (chr13:32,339,245-32,339,249); deleting any one gives the same sequence. VCF-style (leftmost placement, unchanged base first): chr13-32339244-CA-C. GRCh37 (hg19) VCF-style: chr13-32913381-CA-C.
Other names: c.4894delA (NM_000059.3); short protein forms S1632fs.
Identifiers: ClinVar variation 441371 (VCV000441371.6), dbSNP rs1555283980, ClinGen allele CA658653673.

ClinVar aggregate classification (germline): Pathogenic. Review status: reviewed by expert panel (3 of 4 stars). 2 submissions from 2 submitters: Pathogenic (1). 1 of the submissions does not count toward it. Last evaluated 2017-12-15.

Conditions:
Hereditary cancer-predisposing syndrome. Also called: Hereditary Cancer Syndrome; Tumor predisposition; Hereditary neoplastic syndrome; Neoplastic Syndromes, Hereditary. Identifiers: Orphanet 140162, MedGen C0027672, MeSH D009386, MONDO:0015356.
Breast-ovarian cancer, familial, susceptibility to, 2 (BROVCA2). Also called: BRCA2 Hereditary Breast and Ovarian Cancer. Identifiers: Orphanet 145, MedGen C2675520, MONDO:0012933, OMIM 612555. Disease mechanism: loss of function.

Submissions (2):

Evidence-based Network for the Interpretation of Germline Mutant Alleles (ENIGMA)
Classification: Pathogenic for Breast-ovarian cancer, familial, susceptibility to, 2. Last evaluated: 2017-12-15. Review status: reviewed by expert panel. Criteria: ENIGMA BRCA1/2 Classification Criteria (2017-06-29). Collection method: curation. Allele origin: germline. Study: ENIGMA.
Comment: Variant allele predicted to encode a truncated non-functional protein.

Ambry Genetics
Classification: Pathogenic for Hereditary cancer-predisposing syndrome. Last evaluated: 2026-05-06. Review status: criteria provided, single submitter. Criteria: Ambry Variant Classification Scheme 2023. Collection method: clinical testing. Allele origin: germline. Not counted in ClinVar's aggregate classification.
Comment: The c.4894delA pathogenic mutation, located in coding exon 10 of the BRCA2 gene, results from a deletion of one nucleotide at nucleotide position 4894, causing a translational frameshift with a predicted alternate stop codon (p.S1632Vfs*4). This variant is considered to be rare based on population cohorts in the Genome Aggregation Database (gnomAD). This variant is expected to result in loss of function by premature protein truncation or nonsense-mediated mRNA decay. As such, this variant is interpreted as a disease-causing mutation.